The following is an entry in ClinVar:

NM_015681.6(B9D1):c.77A>C (p.Asp26Ala)

Gene: B9D1 (B9 domain containing 1; minus strand). Cytogenetic location: 17p11.2.
Variant type: single nucleotide variant.
Coding change: c.77A>C on transcript NM_015681.6 (MANE Select); coding-DNA position 77, A replaced by C.
Protein change: p.Asp26Ala; replaces aspartic acid 26 with alanine.
Molecular consequence: missense variant. On other transcripts: 5 prime UTR variant (1).
Genome position (GRCh38, 1-based): chr17:19,360,375, T>G on the plus strand (A>C on the coding strand, the complement: B9D1 is on the minus strand). VCF-style: chr17-19360375-T-G. GRCh37 (hg19) VCF-style: chr17-19263688-T-G.
Other names: c.77A>C, p.Asp26Ala (NM_001321214.2, NM_001321215.3, NM_001321216.2 and 4 more transcripts); c.-284A>C (NM_001368769.2); short protein forms D26A.
Identifiers: ClinVar variation 2184817 (VCV002184817.3), dbSNP rs759910675, ClinGen allele CA8440360.

ClinVar aggregate classification (germline): Uncertain significance (1 of 4 stars; one submission).

Conditions:
Joubert syndrome. Also called: CEREBELLOPARENCHYMAL DISORDER IV; JOUBERT-BOLTSHAUSER SYNDROME; Familial aplasia of the vermis. Identifiers: Orphanet 475, MedGen C5979921, MONDO:0018772.
Meckel-Gruber syndrome. Also called: DYSENCEPHALIA SPLANCHNOCYSTICA; GRUBER SYNDROME; Dysencephalia splachnocystica. Identifiers: Orphanet 564, MedGen C0265215, MONDO:0018921.

Allele frequency attached by ClinVar (database versions not stated): gnomAD exomes below 0.00001; ExAC 0.00001.
gnomAD v4.1: 2 of 1,613,828 alleles (0.00012%); highest among the groups gnomAD compares: African/African-American, 0.0013%; no homozygotes.

Submission:

Labcorp Genetics (formerly Invitae), Labcorp
Classification: Uncertain significance for Joubert syndrome; Meckel-Gruber syndrome. Last evaluated: 2023-12-11. Review status: criteria provided, single submitter. Criteria: Invitae Variant Classification Sherloc (09022015). Collection method: clinical testing. Allele origin: germline.
Comment: This sequence change replaces aspartic acid, which is acidic and polar, with alanine, which is neutral and non-polar, at codon 26 of the B9D1 protein (p.Asp26Ala). This variant is not present in population databases (gnomAD no frequency). This variant has not been reported in the literature in individuals affected with B9D1-related conditions. ClinVar contains an entry for this variant (Variation ID: 2184817). An algorithm developed to predict the effect of missense changes on protein structure and function (PolyPhen-2) suggests that this variant is likely to be disruptive. In summary, the available evidence is currently insufficient to determine the role of this variant in disease. Therefore, it has been classified as a Variant of Uncertain Significance.